The following is an entry in ClinVar:

ClinVar aggregate classification (germline): Conflicting classifications of pathogenicity. Review status: criteria provided, conflicting classifications (1 of 4 stars). 2 submissions from 2 submitters: Uncertain significance (1); Likely benign (1). Last evaluated 2023-03-23.

Conditions:
Hereditary breast ovarian cancer syndrome. Also called: Breast and ovarian cancer; BRCA1- and BRCA2-Associated Hereditary Breast and Ovarian Cancer; Hereditary breast and ovarian cancer; Hereditary breast and ovarian cancer syndrome (HBOC); Hereditary breast and/or ovarian cancer syndrome; Hereditary breast and ovarian cancer syndrome. Identifiers: Orphanet 145, MedGen C0677776, MeSH D061325, MONDO:0003582. Disease mechanism: loss of function.
Hereditary cancer-predisposing syndrome. Also called: Tumor predisposition; Hereditary neoplastic syndrome; Neoplastic Syndromes, Hereditary; Hereditary Cancer Syndrome. Identifiers: Orphanet 140162, MedGen C0027672, MeSH D009386, MONDO:0015356.

Submissions (2):

University of Washington Department of Laboratory Medicine, University of Washington
Classification: Likely benign for Hereditary cancer-predisposing syndrome. Last evaluated: 2023-03-23. Review status: criteria provided, single submitter. Criteria: Dines et al. (Genet Med. 2020). Collection method: curation. Allele origin: germline.
Comment: Missense variant in a coldspot region where missense variants are very unlikely to be pathogenic (PMID:31911673).

BRCA2 exon 11 coldspot. Reclassification based on statistical prior probability.

Labcorp Genetics (formerly Invitae), Labcorp
Classification: Uncertain significance for Hereditary breast ovarian cancer syndrome. Last evaluated: 2020-05-27. Review status: criteria provided, single submitter. Criteria: Invitae Variant Classification Sherloc (09022015). Collection method: clinical testing. Allele origin: germline.
Comment: In summary, the available evidence is currently insufficient to determine the role of this variant in disease. Therefore, it has been classified as a Variant of Uncertain Significance. Algorithms developed to predict the effect of missense changes on protein structure and function (SIFT, PolyPhen-2, Align-GVGD) all suggest that this variant is likely to be tolerated, but these predictions have not been confirmed by published functional studies and their clinical significance is uncertain. This variant has not been reported in the literature in individuals with BRCA2-related conditions. This variant is not present in population databases (ExAC no frequency). This sequence change replaces tryptophan with serine at codon 1563 of the BRCA2 protein (p.Trp1563Ser). The tryptophan residue is weakly conserved and there is a large physicochemical difference between tryptophan and serine.

NM_000059.4(BRCA2):c.4688G>C (p.Trp1563Ser)

Gene: BRCA2 (BRCA2 DNA repair associated; plus strand). Cytogenetic location: 13q13.1.
Variant type: single nucleotide variant.
Coding change: c.4688G>C on transcript NM_000059.4 (MANE Select); coding-DNA position 4688, G replaced by C.
Protein change: p.Trp1563Ser; replaces tryptophan 1563 with serine.
Molecular consequence: missense variant.
Genome position (GRCh38, 1-based): chr13:32,339,043, G>C. VCF-style: chr13-32339043-G-C. GRCh37 (hg19) VCF-style: chr13-32913180-G-C.
Other names: short protein forms W1563S.
Identifiers: ClinVar variation 858423 (VCV000858423.11), dbSNP rs864622546, ClinGen allele CA387782847.
Genomic context (GRCh38, chr13:32,339,043, plus strand): 5'-AAAACCTTTTTGATGAAAAAGAGCAAGGTACTAGTGAAATCACCAGTTTTAGCCATCAAT[G>C]GGCAAAGACCCTAAAGTACAGAGAGGCCTGTAAAGACCTTGAATTAGCATGTGAGACCAT-3'
Protein context (NP_000050.3, residues 1553-1573): TSEITSFSHQ[Trp1563Ser]AKTLKYREAC